The following is an entry in ClinVar:

ClinVar aggregate classification (germline): Uncertain significance (1 of 4 stars; one submission).

Submission:

Labcorp Genetics (formerly Invitae), Labcorp
Classification: Uncertain significance. Last evaluated: 2024-11-18. Review status: criteria provided, single submitter. Criteria: Invitae Variant Classification Sherloc (09022015). Collection method: clinical testing. Allele origin: germline.
Comment: This sequence change replaces histidine, which is basic and polar, with asparagine, which is neutral and polar, at codon 591 of the PRDM13 protein (p.His591Asn). This variant is not present in population databases (gnomAD no frequency). This variant has not been reported in the literature in individuals affected with PRDM13-related conditions. An algorithm developed to predict the effect of missense changes on protein structure and function (PolyPhen-2) suggests that this variant is likely to be disruptive. In summary, the available evidence is currently insufficient to determine the role of this variant in disease. Therefore, it has been classified as a Variant of Uncertain Significance.

NM_021620.4(PRDM13):c.1771C>A (p.His591Asn)

Gene: PRDM13 (PR/SET domain 13; plus strand). Cytogenetic location: 6q16.2.
Variant type: single nucleotide variant.
Coding change: c.1771C>A on transcript NM_021620.4 (MANE Select); coding-DNA position 1771, C replaced by A.
Protein change: p.His591Asn; replaces histidine 591 with asparagine.
Molecular consequence: missense variant.
Genome position (GRCh38, 1-based): chr6:99,614,406, C>A. VCF-style: chr6-99614406-C-A. GRCh37 (hg19) VCF-style: chr6-100062282-C-A.
Other names: short protein forms H591N.
Identifiers: ClinVar variation 3699611 (VCV003699611.2).